The following is an entry in ClinVar:

NM_001005361.3(DNM2):c.2200A>G (p.Asn734Asp)

Gene: DNM2 (dynamin 2; plus strand). Cytogenetic location: 19p13.2.
Variant type: single nucleotide variant.
Coding change: c.2200A>G on transcript NM_001005361.3 (MANE Select); coding-DNA position 2200, A replaced by G.
Protein change: p.Asn734Asp; replaces asparagine 734 with aspartic acid.
Molecular consequence: missense variant.
Genome position (GRCh38, 1-based): chr19:10,829,177, A>G. VCF-style: chr19-10829177-A-G. GRCh37 (hg19) VCF-style: chr19-10939853-A-G.
Other names: c.2200A>G, p.Asn734Asp (NM_001005360.3, NM_001190716.2); c.2188A>G, p.Asn730Asp (NM_001005362.3, NM_004945.4); short protein forms N734D, N730D.
Identifiers: ClinVar variation 3720961 (VCV003720961.2).

ClinVar aggregate classification (germline): Uncertain significance (1 of 4 stars; one submission).

Conditions:
Charcot-Marie-Tooth disease dominant intermediate B (CMTDIB). Also called: CHARCOT-MARIE-TOOTH NEUROPATHY, DOMINANT INTERMEDIATE B; Charcot-Marie-Tooth disease dominant intermediate 1; CMT DI1; Charcot-Marie-Tooth disease dominant intermediate I. Identifiers: Orphanet 100044, Orphanet 228179, MedGen C1847902, MONDO:0011674, OMIM 606482.

Submission:

Labcorp Genetics (formerly Invitae), Labcorp
Classification: Uncertain significance for Charcot-Marie-Tooth disease dominant intermediate B. Last evaluated: 2024-11-14. Review status: criteria provided, single submitter. Criteria: Invitae Variant Classification Sherloc (09022015). Collection method: clinical testing. Allele origin: germline.
Comment: This sequence change replaces asparagine, which is neutral and polar, with aspartic acid, which is acidic and polar, at codon 734 of the DNM2 protein (p.Asn734Asp). This variant is not present in population databases (gnomAD no frequency). This variant has not been reported in the literature in individuals affected with DNM2-related conditions. Invitae Evidence Modeling of protein sequence and biophysical properties (such as structural, functional, and spatial information, amino acid conservation, physicochemical variation, residue mobility, and thermodynamic stability) indicates that this missense variant is not expected to disrupt DNM2 protein function with a negative predictive value of 95%. In summary, the available evidence is currently insufficient to determine the role of this variant in disease. Therefore, it has been classified as a Variant of Uncertain Significance.